The following is an entry in ClinVar:

ClinVar aggregate classification (germline): Uncertain significance. Review status: criteria provided, multiple submitters, no conflicts (2 of 4 stars). 2 submissions from 2 submitters: Uncertain significance (2). Last evaluated 2025-11-24.

Conditions:
RASopathy. Also called: Noonan spectrum disorder; rasopathies. Identifiers: Orphanet 536391, MedGen C5555857, MONDO:0021060.
Cardiovascular phenotype. Identifiers: MedGen CN230736.

Allele frequency attached by ClinVar (database versions not stated): gnomAD exomes below 0.00001 and 0.00001; ExAC 0.00001; gnomAD 0.00001; 1000 Genomes Project 30x 0.00016; 1000 Genomes Project 0.00020.
gnomAD v4.1: 10 of 1,613,926 alleles (0.00062%); highest among the groups gnomAD compares: East Asian, 0.0022%; no homozygotes.

Submissions (2):

Ambry Genetics
Classification: Uncertain significance for Cardiovascular phenotype. Last evaluated: 2025-11-24. Review status: criteria provided, single submitter. Criteria: Ambry Variant Classification Scheme 2023. Collection method: clinical testing. Allele origin: germline.
Comment: The p.Q345E variant (also known as c.1033C>G), located in coding exon 7 of the CBL gene, results from a C to G substitution at nucleotide position 1033. The glutamine at codon 345 is replaced by glutamic acid, an amino acid with highly similar properties. This amino acid position is conserved. In addition, the in silico prediction for this alteration is inconclusive. Since supporting evidence is limited at this time, the clinical significance of this alteration remains unclear.

Labcorp Genetics (formerly Invitae), Labcorp
Classification: Uncertain significance for RASopathy. Last evaluated: 2024-07-22. Review status: criteria provided, single submitter. Criteria: Invitae Variant Classification Sherloc (09022015). Collection method: clinical testing. Allele origin: germline.
Comment: This sequence change replaces glutamine, which is neutral and polar, with glutamic acid, which is acidic and polar, at codon 345 of the CBL protein (p.Gln345Glu). This variant is present in population databases (rs202095002, gnomAD 0.006%). This variant has not been reported in the literature in individuals affected with CBL-related conditions. ClinVar contains an entry for this variant (Variation ID: 477691). Advanced modeling of protein sequence and biophysical properties (such as structural, functional, and spatial information, amino acid conservation, physicochemical variation, residue mobility, and thermodynamic stability) performed at Invitae indicates that this missense variant is not expected to disrupt CBL protein function with a negative predictive value of 95%. In summary, the available evidence is currently insufficient to determine the role of this variant in disease. Therefore, it has been classified as a Variant of Uncertain Significance.

NM_005188.4(CBL):c.1033C>G (p.Gln345Glu)

Gene: CBL (Cbl proto-oncogene; plus strand). Cytogenetic location: 11q23.3.
Variant type: single nucleotide variant.
Coding change: c.1033C>G on transcript NM_005188.4 (MANE Select); coding-DNA position 1033, C replaced by G.
Protein change: p.Gln345Glu; replaces glutamine 345 with glutamic acid.
Molecular consequence: missense variant.
Genome position (GRCh38, 1-based): chr11:119,277,782, C>G. VCF-style: chr11-119277782-C-G. GRCh37 (hg19) VCF-style: chr11-119148492-C-G.
Other names: short protein forms Q345E.
Identifiers: ClinVar variation 477691 (VCV000477691.12), dbSNP rs202095002, ClinGen allele CA6318415.